The following is an entry in ClinVar:

NM_007294.4(BRCA1):c.5395A>T (p.Thr1799Ser)

Gene: BRCA1 (BRCA1 DNA repair associated; minus strand). Cytogenetic location: 17q21.31.
Variant type: single nucleotide variant.
Coding change: c.5395A>T on transcript NM_007294.4 (MANE Select); coding-DNA position 5395, A replaced by T.
Protein change: p.Thr1799Ser; replaces threonine 1799 with serine.
Molecular consequence: missense variant. On other transcripts: non-coding transcript variant (1), intron variant (1).
Genome position (GRCh38, 1-based): chr17:43,049,132, T>A on the plus strand (A>T on the coding strand, the complement: BRCA1 is on the minus strand). VCF-style: chr17-43049132-T-A. GRCh37 (hg19) VCF-style: chr17-41201149-T-A.
Other names: c.5182A>T, p.Thr1728Ser (NM_001407571.1, NM_001407894.1, NM_001407895.1 and 12 more transcripts); c.5461A>T, p.Thr1821Ser (NM_001407581.1, NM_001407582.1); c.5458A>T, p.Thr1820Ser (NM_001407583.1, NM_001407585.1, NM_001407587.1 and 1 more transcripts); c.5455A>T, p.Thr1819Ser (NM_001407590.1, NM_001407591.1); c.5395A>T, p.Thr1799Ser (NM_001407593.1, NM_001407594.1, NM_001407596.1 and 5 more transcripts); c.5392A>T, p.Thr1798Ser (NM_001407613.1, NM_001407614.1, NM_001407615.1 and 14 more transcripts); c.5389A>T, p.Thr1797Ser (NM_001407632.1, NM_001407633.1, NM_001407634.1 and 13 more transcripts); c.5317A>T, p.Thr1773Ser (NM_001407654.1, NM_001407655.1, NM_001407652.1 and 1 more transcripts); and 73 more; short protein forms T1820S, T1752S, T1799S, T695S, T1688S, T1729S, T1751S, T1755S.
Identifiers: ClinVar variation 868050 (VCV000868050.3), dbSNP rs2051075653, ClinGen allele CA10590684.
Genomic context (GRCh38, chr17:43,049,132, plus strand): 5'-AGGAGAGAATATTGTGTCCTCCCTCTCTGACAGGGCACCCAATACTTACTGTGCCAAGGG[T>A]GAATGATGAAAGCTCCTTCACCACAGAAGCACCACACAGCTGTACCATCCATTCCAGTTG-3'
Protein context (NP_009225.1, residues 1789-1809): ASVVKELSSF[Thr1799Ser]LGTGVHPIVV

Conditions:
Breast-ovarian cancer, familial, susceptibility to, 1 (BROVCA1). Also called: BRCA1 Hereditary Breast and Ovarian Cancer; OVARIAN CANCER, SUSCEPTIBILITY TO. Identifiers: Orphanet 145, MedGen C2676676, MONDO:0011450, OMIM 604370. Disease mechanism: loss of function.

Submission:

Brotman Baty Institute, University of Washington
No classification provided (evidence only). Condition: Breast-ovarian cancer, familial 1. Review status: no classification provided. Collection method: in vitro. Allele origin: not applicable. Functional consequence: functionally_normal.
ClinVar note: "not provided" was previously submitted as the classification for the variant. However, the classification appeared to be based only on an observation of functional data so it was converted to no classification on 2025-07-30.